The following is an entry in ClinVar:

ClinVar aggregate classification (germline): Likely benign. Review status: criteria provided, single submitter (1 of 4 stars). 2 submissions from 2 submitters: Likely benign (1). 1 of the submissions does not count toward it. Last evaluated 2025-03-05.

Conditions:
CDH23-related disorder. Also called: CDH23-related disorders; CDH23-related condition.

Allele frequency attached by ClinVar (database versions not stated): gnomAD 0.00001; gnomAD exomes 0.00001 and 0.00002; TOPMed 0.00001; ExAC 0.00004.
gnomAD v4.1: 16 of 1,591,012 alleles (0.001%); highest among the groups gnomAD compares: South Asian, 0.0046%; no homozygotes.

Submissions (2):

Labcorp Genetics (formerly Invitae), Labcorp
Classification: Likely benign. Last evaluated: 2025-03-05. Review status: criteria provided, single submitter. Criteria: Invitae Variant Classification Sherloc (09022015). Collection method: clinical testing. Allele origin: germline.

PreventionGenetics, part of Exact Sciences
Classification: Likely benign for CDH23-related condition. Last evaluated: 2019-08-06. Review status: no assertion criteria provided. Collection method: clinical testing. Allele origin: germline. Not counted in ClinVar's aggregate classification.
Comment: This variant is classified as likely benign based on ACMG/AMP sequence variant interpretation guidelines (Richards et al. 2015 PMID: 25741868, with internal and published modifications).

NM_022124.6(CDH23):c.1698C>T (p.Tyr566=)

Gene: CDH23 (cadherin related 23; plus strand). Cytogenetic location: 10q22.1.
Variant type: single nucleotide variant.
Coding change: c.1698C>T on transcript NM_022124.6 (MANE Select); coding-DNA position 1698, C replaced by T.
Protein change: p.Tyr566=; no amino-acid change (tyrosine 566 retained).
Molecular consequence: synonymous variant.
Genome position (GRCh38, 1-based): chr10:71,677,639, C>T. VCF-style: chr10-71677639-C-T. GRCh37 (hg19) VCF-style: chr10-73437396-C-T.
Other names: c.1698C>T (NM_022124.5); c.1698C>T, p.Tyr566= (NM_001171930.2, NM_001171931.2).
Identifiers: ClinVar variation 1114544 (VCV001114544.11), dbSNP rs373296547, ClinGen allele CA5543928.
Genomic context (GRCh38, chr10:71,677,639, plus strand): 5'-GGTCAGGATCAATGTGTTGGATGTCAACGACAACGTGCCCACCTTCCAGAAGGATGCCTA[C>T]GTGGGTGCTCTGCGGGAGAACGAGCCTTCTGTCACACAGCTGGTGCGGCTCCGGGTAAGG-3'
Protein context (NP_071407.4, residues 556-576): DNVPTFQKDA[Tyr566=]VGALRENEPS